The following is an entry in ClinVar:

NM_000135.4(FANCA):c.3644C>A (p.Ala1215Asp)

Gene: FANCA (FA complementation group A; minus strand). Cytogenetic location: 16q24.3.
Variant type: single nucleotide variant.
Coding change: c.3644C>A on transcript NM_000135.4 (MANE Select); coding-DNA position 3644, C replaced by A.
Protein change: p.Ala1215Asp; replaces alanine 1215 with aspartic acid.
Molecular consequence: missense variant.
Genome position (GRCh38, 1-based): chr16:89,742,921, G>T on the plus strand (C>A on the coding strand, the complement: FANCA is on the minus strand). VCF-style: chr16-89742921-G-T. GRCh37 (hg19) VCF-style: chr16-89809329-G-T.
Other names: c.3644C>A (NM_000135.3, LRG_495t1); c.3644C>A, p.Ala1215Asp (NM_001286167.3); short protein forms A1215D.
Identifiers: ClinVar variation 565678 (VCV000565678.18), dbSNP rs199601218, ClinGen allele CA8251036.

ClinVar aggregate classification (germline): Conflicting classifications of pathogenicity. Review status: criteria provided, conflicting classifications (1 of 4 stars). 7 submissions from 7 submitters: Uncertain significance (5); Likely benign (1). 1 of the submissions does not count toward it. Last evaluated 2026-02-04.

Conditions:
Fanconi anemia (FA). Also called: Fanconi's anemia. Identifiers: Orphanet 84, MedGen C0015625, MeSH D005199, MONDO:0019391.
Fanconi anemia complementation group A (FANCA). Also called: FANCA-Related Fanconi Anemia; Fanconi anemia, group A. Identifiers: Orphanet 84, MedGen C3469521, MONDO:0009215, OMIM 227650.

Allele frequency attached by ClinVar (database versions not stated): ExAC 0.00005; gnomAD exomes 0.00005 and 0.00007; TOPMed 0.00006; gnomAD 0.00008; ESP Exome Variant Server 0.00015.
gnomAD v4.1: 126 of 1,613,982 alleles (0.0078%); highest among the groups gnomAD compares: Non-Finnish European, 0.0095%; no homozygotes.

Submissions (7):

Labcorp Genetics (formerly Invitae), Labcorp
Classification: Likely benign for Fanconi anemia. Last evaluated: 2026-02-04. Review status: criteria provided, single submitter. Criteria: Invitae Variant Classification Sherloc (09022015). Collection method: clinical testing. Allele origin: germline.

Quest Diagnostics Nichols Institute San Juan Capistrano
Classification: Uncertain significance. Last evaluated: 2023-08-31. Review status: criteria provided, single submitter. Criteria: Quest Diagnostics criteria. Collection method: clinical testing. Allele origin: unknown.
Comment: In the published literature, the variant has been reported in an individual with neuroblastoma (PMID: 27997549 (2016)) as well as in an unaffected individual (PMID: 29641532 (2018)). The frequency of this variant in the general population, 0.00024 (12/50778 chromosomes (Genome Aggregation Database)), is uninformative in the assessment of its pathogenicity. Analysis of this variant using bioinformatics tools for the prediction of the effect of amino acid changes on protein structure and function yielded predictions that this variant is benign. Based on the available information, we are unable to determine the clinical significance of this variant.

Fulgent Genetics
Classification: Uncertain significance for Fanconi anemia complementation group A. Last evaluated: 2022-04-22. Review status: criteria provided, single submitter. Criteria: ACMG Guidelines, 2015. Collection method: clinical testing. Allele origin: unknown.

Genetic Services Laboratory, University of Chicago
Classification: Uncertain significance. Last evaluated: 2021-11-17. Review status: criteria provided, single submitter. Criteria: ACMG Guidelines, 2015. Collection method: clinical testing. Allele origin: germline. Affected: no.

Institute for Clinical Genetics, University Hospital TU Dresden, University Hospital TU Dresden
Classification: Uncertain significance. Last evaluated: 2021-11-03. Review status: criteria provided, single submitter. Criteria: ACMG Guidelines, 2015. Collection method: clinical testing. Allele origin: germline.

Sema4
Classification: Uncertain significance for Fanconi anemia. Last evaluated: 2021-07-22. Review status: criteria provided, single submitter. Criteria: Sema4 Curation Guidelines. Collection method: curation. Allele origin: germline.
Comment: The FANCA c.3644C>A (p.A1215D) variant has been reported as a somatic variant in an individual with neuroblastoma (PMID 27997549) and in an individual from a non-cancer cohort (PMID 29641532). It was observed 15/129098 chromosomes of the Non-Finnish European subpopulation, in the large and broad cohorts of the Genome Aggregation Database (PMID: 32461654). The variant has been reported in ClinVar (Variation ID 565678). Functional studies have not been performed and in silico predictions of the variant's effect on protein function are inconclusive. The evidence is insufficient to meet ACMG/AMP criteria for classifying the variant as benign or pathogenic. Thus, the clinical significance of this variant is currently uncertain.

Natera, Inc.
Classification: Uncertain significance for Fanconi anemia, group A. Last evaluated: 2020-09-16. Review status: no assertion criteria provided. Collection method: clinical testing. Allele origin: germline. Not counted in ClinVar's aggregate classification.

Literature cited by the submitters: PubMed 27997549 (cited by Quest Diagnostics Nichols Institute San Juan Capistrano and Sema4); PubMed 29641532 (cited by Quest Diagnostics Nichols Institute San Juan Capistrano and Sema4); PubMed 37349538 (cited by Quest Diagnostics Nichols Institute San Juan Capistrano); PubMed 15643609 (cited by Quest Diagnostics Nichols Institute San Juan Capistrano).